The following is an entry in ClinVar:

ClinVar aggregate classification (germline): Uncertain significance. Review status: criteria provided, multiple submitters, no conflicts (2 of 4 stars). 2 submissions from 2 submitters: Uncertain significance (2). Last evaluated 2025-02-04.

Conditions:
Hereditary cancer-predisposing syndrome. Also called: Tumor predisposition; Hereditary neoplastic syndrome; Hereditary Cancer Syndrome; Neoplastic Syndromes, Hereditary. Identifiers: Orphanet 140162, MedGen C0027672, MeSH D009386, MONDO:0015356.

Allele frequency attached by ClinVar (database versions not stated): gnomAD exomes below 0.00001.
gnomAD v4.1: 2 of 1,614,096 alleles (0.00012%); highest among the groups gnomAD compares: Admixed American, 0.0017%; no homozygotes.

Submissions (2):

Ambry Genetics
Classification: Uncertain significance for Hereditary cancer-predisposing syndrome. Last evaluated: 2025-02-04. Review status: criteria provided, single submitter. Criteria: Ambry Variant Classification Scheme 2023. Collection method: clinical testing. Allele origin: germline.
Comment: The p.C1269R variant (also known as c.3805T>C), located in coding exon 9 of the MSH6 gene, results from a T to C substitution at nucleotide position 3805. The cysteine at codon 1269 is replaced by arginine, an amino acid with highly dissimilar properties. This amino acid position is highly conserved in available vertebrate species. In addition, this alteration is predicted to be deleterious by in silico analysis. Based on the available evidence, the clinical significance of this variant remains unclear.

Color Diagnostics, LLC DBA Color Health
Classification: Uncertain significance for Hereditary cancer-predisposing syndrome. Last evaluated: 2024-03-06. Review status: criteria provided, single submitter. Criteria: ACMG Guidelines, 2015. Collection method: clinical testing. Allele origin: germline.
Comment: This missense variant replaces cysteine with arginine at codon 1269 of the MSH6 protein. Computational prediction suggests that this variant may have deleterious impact on protein structure and function (internally defined REVEL score threshold >= 0.7, PMID: 27666373). To our knowledge, functional studies have not been reported for this variant. This variant has not been reported in individuals affected with hereditary cancer in the literature. This variant has been identified in 1/251046 chromosomes in the general population by the Genome Aggregation Database (gnomAD). The available evidence is insufficient to determine the role of this variant in disease conclusively. Therefore, this variant is classified as a Variant of Uncertain Significance.

NM_000179.3(MSH6):c.3805T>C (p.Cys1269Arg)

Gene: MSH6 (mutS homolog 6; plus strand). Cytogenetic location: 2p16.3.
Variant type: single nucleotide variant.
Coding change: c.3805T>C on transcript NM_000179.3 (MANE Select); coding-DNA position 3805, T replaced by C.
Protein change: p.Cys1269Arg; replaces cysteine 1269 with arginine.
Molecular consequence: missense variant.
Genome position (GRCh38, 1-based): chr2:47,806,455, T>C. VCF-style: chr2-47806455-T-C. GRCh37 (hg19) VCF-style: chr2-48033594-T-C.
Other names: c.3415T>C, p.Cys1139Arg (NM_001281492.2); c.2899T>C, p.Cys967Arg (NM_001281493.2, NM_001281494.2); short protein forms C1139R, C1269R, C967R.
Identifiers: ClinVar variation 1171467 (VCV001171467.6), dbSNP rs1379181416, ClinGen allele CA346761217.
Genomic context (GRCh38, chr2:47,806,455, plus strand): 5'-TTTGAGAGGGCACTTCTCTTGCTAGCACATGTATCGCTAATATTTTTCTTTCTTAAGGCA[T>C]GCATGGTAGAAAATGAATGTGAAGACCCCAGCCAGGAGACTATTACGTTCCTCTATAAAT-3'
Protein context (NP_000170.1, residues 1259-1279): NVAVRLGHMA[Cys1269Arg]MVENECEDPS